The following is an entry in ClinVar:

NM_003002.4(SDHD):c.334dup (p.Thr112fs)

Gene: SDHD (succinate dehydrogenase complex subunit D; plus strand). Cytogenetic location: 11q23.1.
Variant type: Duplication.
Coding change: c.334dup on transcript NM_003002.4 (MANE Select); coding-DNA position 334, one base duplicated (A; older notation c.334dupA).
Protein change: p.Thr112fs; shifts the reading frame from threonine 112.
Molecular consequence: frameshift variant. On other transcripts: 3 prime UTR variant (1), non-coding transcript variant (1).
Genome position (GRCh38, 1-based): chr11:112,094,824, A duplicated. VCF-style (leftmost placement, unchanged base first): chr11-112094823-T-TA. GRCh37 (hg19) VCF-style: chr11-111965547-T-TA.
Other names: c.189dup, p.Leu64fs (NM_001276503.2); c.217dup, p.Thr73fs (NM_001276504.2); c.*32dup (NM_001276506.2); short protein forms L64fs, T73fs, T112fs.
Identifiers: ClinVar variation 4784932 (VCV004784932.1).

ClinVar aggregate classification (germline): Pathogenic (1 of 4 stars; one submission).

Conditions:
Pheochromocytoma. Also called: MAX-Related Hereditary Paraganglioma-Pheochromocytoma Syndrome. Identifiers: Orphanet 29072, MedGen C0031511, MONDO:0008233, OMIM 171300, HP:0002666.
Paragangliomas with sensorineural hearing loss. Identifiers: MedGen C1868633.
Carney-Stratakis syndrome. Also called: PARAGANGLIOMA AND GASTROINTESTINAL STROMAL TUMOR. Identifiers: Orphanet 97286, MedGen C1847319, MONDO:0011740, OMIM 606864.
Cowden syndrome 3 (CWS3). Identifiers: Orphanet 201, MedGen CN166604, MONDO:0014045.

Submission:

Labcorp Genetics (formerly Invitae), Labcorp
Classification: Pathogenic for Carney-Stratakis syndrome; Paragangliomas with sensorineural hearing loss; Pheochromocytoma; Cowden syndrome 3. Last evaluated: 2025-05-07. Review status: criteria provided, single submitter. Criteria: Invitae Variant Classification Sherloc (09022015). Collection method: clinical testing. Allele origin: germline.
Comment: This sequence change creates a premature translational stop signal (p.Thr112Asnfs*2) in the SDHD gene. While this is not anticipated to result in nonsense mediated decay, it is expected to disrupt the last 48 amino acid(s) of the SDHD protein. This variant is not present in population databases (gnomAD no frequency). This variant has not been reported in the literature in individuals affected with SDHD-related conditions. This variant disrupts a region of the SDHD protein in which other variant(s) (p.Asp113Metfs*21) have been determined to be pathogenic (PMID: 12111639, 17848412, 21348866, 22517554). This suggests that this is a clinically significant region of the protein, and that variants that disrupt it are likely to be disease-causing. For these reasons, this variant has been classified as Pathogenic.

Literature cited by the submitters: PubMed 12111639; PubMed 17848412; PubMed 21348866; PubMed 22517554.